The following is an entry in ClinVar:

ClinVar aggregate classification (germline): Benign/Likely benign. Review status: criteria provided, multiple submitters, no conflicts (2 of 4 stars). 4 submissions from 4 submitters: Benign (2); Likely benign (2). Last evaluated 2025-11-01.

Allele frequency attached by ClinVar (database versions not stated): gnomAD 0.00073 and 0.00084; TOPMed 0.00096; ESP Exome Variant Server 0.00108; 1000 Genomes Project 30x 0.00109; gnomAD exomes 0.00109 and 0.00130; 1000 Genomes Project 0.00140; ExAC 0.00203.
gnomAD v4.1: 1,743 of 1,590,938 alleles (0.11%); highest among the groups gnomAD compares: Middle Eastern, 0.88%; 6 homozygotes.

Submissions (4):

CeGaT Center for Human Genetics Tuebingen
Classification: Likely benign. Last evaluated: 2025-11-01. Review status: criteria provided, single submitter. Criteria: CeGaT Center For Human Genetics Tuebingen Variant Classification Criteria Version 2. Collection method: clinical testing. Allele origin: germline. Affected: yes. Observed: 2 variant alleles.
Comment: GGN: BP4, BP7

Blueprint Genetics
Classification: Likely benign. Last evaluated: 2024-10-29. Review status: criteria provided, single submitter. Criteria: ACMG Guidelines, 2015. Collection method: clinical testing. Allele origin: germline.

Labcorp Genetics (formerly Invitae), Labcorp
Classification: Benign. Last evaluated: 2018-06-13. Review status: criteria provided, single submitter. Criteria: Invitae Variant Classification Sherloc (09022015). Collection method: clinical testing. Allele origin: germline.

Breakthrough Genomics
Classification: Benign. Review status: criteria provided, single submitter. Criteria: ACMG Guidelines, 2015. Collection method: not provided. Allele origin: germline. Inheritance: Autosomal recessive inheritance. Affected: yes.

NM_152657.4(GGN):c.1104G>A (p.Gly368=)

Gene: GGN (gametogenetin; minus strand). Cytogenetic location: 19q13.2.
Variant type: single nucleotide variant.
Coding change: c.1104G>A on transcript NM_152657.4 (MANE Select); coding-DNA position 1104, G replaced by A.
Protein change: p.Gly368=; no amino-acid change (glycine 368 retained).
Molecular consequence: synonymous variant.
Genome position (GRCh38, 1-based): chr19:38,386,158, C>T on the plus strand (G>A on the coding strand, the complement: GGN is on the minus strand). VCF-style: chr19-38386158-C-T. GRCh37 (hg19) VCF-style: chr19-38876798-C-T.
Identifiers: ClinVar variation 774957 (VCV000774957.29), dbSNP rs148446446, ClinGen allele CA9414224.